The following is an entry in ClinVar:

ClinVar aggregate classification (germline): Uncertain significance (1 of 4 stars; one submission).

Conditions:
Ullrich congenital muscular dystrophy 2 (UCMD2). Identifiers: Orphanet 75840, MedGen C4225314, MONDO:0014654, OMIM 616470.
Bethlem myopathy 2 (BTHLM2). Identifiers: Orphanet 536516, Orphanet 610, MedGen C4225313, MONDO:0034022, OMIM 616471.

Allele frequency attached by ClinVar (database versions not stated): gnomAD exomes below 0.00001.
gnomAD v4.1: 1 of 1,614,010 alleles (0.000062%); highest among the groups gnomAD compares: East Asian, 0.0022%; no homozygotes.

Submission:

Labcorp Genetics (formerly Invitae), Labcorp
Classification: Uncertain significance for Bethlem myopathy 2; Ullrich congenital muscular dystrophy 2. Last evaluated: 2019-10-21. Review status: criteria provided, single submitter. Criteria: Invitae Variant Classification Sherloc (09022015). Collection method: clinical testing. Allele origin: germline.
Comment: Algorithms developed to predict the effect of missense changes on protein structure and function are either unavailable or do not agree on the potential impact of this missense change (SIFT: "Deleterious"; PolyPhen-2: "Probably Damaging"; Align-GVGD: "Class C0"). In summary, the available evidence is currently insufficient to determine the role of this variant in disease. Therefore, it has been classified as a Variant of Uncertain Significance. This variant has not been reported in the literature in individuals with COL12A1-related conditions. This variant is not present in population databases (ExAC no frequency). This sequence change replaces proline with serine at codon 1537 of the COL12A1 protein (p.Pro1537Ser). The proline residue is moderately conserved and there is a moderate physicochemical difference between proline and serine.

NM_004370.6(COL12A1):c.4609C>T (p.Pro1537Ser)

Gene: COL12A1 (collagen type XII alpha 1 chain; minus strand). Cytogenetic location: 6q13.
Variant type: single nucleotide variant.
Coding change: c.4609C>T on transcript NM_004370.6 (MANE Select); coding-DNA position 4609, C replaced by T.
Protein change: p.Pro1537Ser; replaces proline 1537 with serine.
Molecular consequence: missense variant.
Genome position (GRCh38, 1-based): chr6:75,145,407, G>A on the plus strand (C>T on the coding strand, the complement: COL12A1 is on the minus strand). VCF-style: chr6-75145407-G-A. GRCh37 (hg19) VCF-style: chr6-75855123-G-A.
Other names: c.1117C>T, p.Pro373Ser (NM_080645.3); short protein forms P1537S, P373S.
Identifiers: ClinVar variation 840871 (VCV000840871.10), dbSNP rs1028650601, ClinGen allele CA364743078.
Genomic context (GRCh38, chr6:75,145,407, plus strand): 5'-CAGGTTCACTAGTGAGGTCGTGCAGGACAGCCTGGACTGTGACTGCATACTCCGTGTTGG[G>A]AACAAGGTCAGTCAGCTGCATGTCATTCACTGTTGGCCCCAAACGCACCTGCACATGGAT-3'
Protein context (NP_004361.3, residues 1527-1547): VNDMQLTDLV[Pro1537Ser]NTEYAVTVQA